The following is an entry in ClinVar:

ClinVar aggregate classification (germline): Conflicting classifications of pathogenicity. Review status: criteria provided, conflicting classifications (1 of 4 stars). 19 submissions from 19 submitters: Uncertain significance (1); Benign (3); Likely benign (10). 5 of the submissions do not count toward it. Last evaluated 2026-01-27.

Conditions:
DSG2-related disorder. Also called: DSG2-related condition.
Cardiovascular phenotype. Identifiers: MedGen CN230736.
Arrhythmogenic right ventricular cardiomyopathy (ARVD). Also called: Arrhythmogenic right ventricular dysplasia; Cardiomyopathy, ARVC; Arrhythmogenic Right Ventricular Cardiomyopathy (ARVC); Arrhythmogenic cardiomyopathy. Identifiers: Orphanet 247, MedGen C0349788, MeSH D019571, MONDO:0016587. Disease mechanism: loss of function. Inheritance: Various modes of inheritance.
Cardiomyopathy (CMYO). Also called: Cardiomyopathies. Identifiers: Orphanet 167848, MedGen C0878544, MONDO:0004994, HP:0001638. Inheritance: Various modes of inheritance.
Arrhythmogenic right ventricular dysplasia 10. Also called: Arrhythmogenic Right Ventricular Dysplasia/Cardiomyopathy10; ARRHYTHMOGENIC RIGHT VENTRICULAR DYSPLASIA, FAMILIAL, 10; Arrhythmogenic right ventricular dysplasia/cardiomyopathy, type 10. Identifiers: MedGen C1857777, MONDO:0012434, OMIM 610193.

Allele frequency attached by ClinVar (database versions not stated): gnomAD exomes 0.00109 and 0.00048; ESP Exome Variant Server 0.00118; ExAC 0.00042; gnomAD 0.00058 and 0.00061; TOPMed 0.00062.
gnomAD v4.1: 1,658 of 1,613,930 alleles (0.1%); highest among the groups gnomAD compares: Non-Finnish European, 0.13%; no homozygotes.

Submissions (19):

Labcorp Genetics (formerly Invitae), Labcorp
Classification: Likely benign for Arrhythmogenic right ventricular dysplasia 10. Last evaluated: 2026-01-27. Review status: criteria provided, single submitter. Criteria: Invitae Variant Classification Sherloc (09022015). Collection method: clinical testing. Allele origin: germline.

Women's Health and Genetics/Laboratory Corporation of America, LabCorp
Classification: Benign. Last evaluated: 2025-06-26. Review status: criteria provided, single submitter. Criteria: LabCorp Variant Classification Summary - May 2015. Collection method: clinical testing. Allele origin: germline.

Mayo Clinic Laboratories, Mayo Clinic
Classification: Likely benign. Last evaluated: 2025-05-13. Review status: criteria provided, single submitter. Criteria: ACMG Guidelines, 2015. Collection method: clinical testing. Allele origin: germline. Observed: 1 variant allele.
Comment: BP4, BP7

Molecular Diagnostic Laboratory for Inherited Cardiovascular Disease, Montreal Heart Institute
Classification: Benign. Last evaluated: 2025-04-09. Review status: criteria provided, single submitter. Criteria: ACMG Guidelines, 2015. Collection method: clinical testing. Allele origin: germline. Affected: no.

PreventionGenetics, part of Exact Sciences
Classification: Likely benign for DSG2-related condition. Last evaluated: 2025-01-10. Review status: criteria provided, single submitter. Criteria: ACMG Guidelines, 2015. Collection method: clinical testing. Allele origin: germline.
Comment: This variant is classified as likely benign based on ACMG/AMP sequence variant interpretation guidelines (Richards et al. 2015 PMID: 25741868, with internal and published modifications).

ARUP Laboratories, Molecular Genetics and Genomics, ARUP Laboratories
Classification: Likely benign. Last evaluated: 2024-12-09. Review status: criteria provided, single submitter. Criteria: ARUP Molecular Germline Variant Investigation Process 2024. Collection method: clinical testing. Allele origin: germline.

Blueprint Genetics
Classification: Likely benign. Last evaluated: 2024-11-26. Review status: criteria provided, single submitter. Criteria: ACMG Guidelines, 2015. Collection method: clinical testing. Allele origin: germline.

All of Us Research Program, National Institutes of Health
Classification: Likely benign for Arrhythmogenic right ventricular cardiomyopathy. Last evaluated: 2024-02-05. Review status: criteria provided, single submitter. Criteria: ACMG Guidelines, 2015. Collection method: clinical testing. Allele origin: germline. Inheritance: Autosomal dominant inheritance. Observed: 198 variant alleles, 198 heterozygotes.
Comment: This study involves interpretation of variants in research participants for the purpose of population health screening. Participant phenotype was not available at the time of variant classification. Additional details can be found in publication PMID: 35346344, PMCID: PMC8962531

CHEO Genetics Diagnostic Laboratory, Children's Hospital of Eastern Ontario
Classification: Likely benign for Cardiomyopathy. Last evaluated: 2021-03-18. Review status: criteria provided, single submitter. Criteria: ACMG Guidelines, 2015. Collection method: clinical testing. Allele origin: germline.

Ambry Genetics
Classification: Likely benign for Cardiovascular phenotype. Last evaluated: 2019-03-01. Review status: criteria provided, single submitter. Criteria: Ambry Variant Classification Scheme 2023. Collection method: clinical testing. Allele origin: germline.

Color Diagnostics, LLC DBA Color Health
Classification: Likely benign for Cardiomyopathy. Last evaluated: 2018-09-28. Review status: criteria provided, single submitter. Criteria: ACMG Guidelines, 2015. Collection method: clinical testing. Allele origin: germline.

Illumina Laboratory Services, Illumina
Classification: Uncertain significance for Arrhythmogenic right ventricular dysplasia 10. Last evaluated: 2018-01-12. Review status: criteria provided, single submitter. Criteria: ICSL Variant Classification Criteria 13 December 2019. Collection method: clinical testing. Allele origin: germline.

GeneDx
Classification: Benign. Last evaluated: 2014-09-17. Review status: criteria provided, single submitter. Criteria: GeneDx Variant Classification (06012015). Collection method: clinical testing. Allele origin: germline. Affected: yes.
Comment: This variant is considered likely benign or benign based on one or more of the following criteria: it is a conservative change, it occurs at a poorly conserved position in the protein, it is predicted to be benign by multiple in silico algorithms, and/or has population frequency not consistent with disease.

Laboratory for Molecular Medicine, Mass General Brigham Personalized Medicine
Classification: Likely benign. Last evaluated: 2013-09-19. Review status: criteria provided, single submitter. Criteria: LMM Criteria. Collection method: clinical testing. Allele origin: germline. Observed: 5 variant alleles.
Comment: Asn284Asn in exon 8 of DSG2: This variant is not expected to have clinical signi ficance because it does not alter an amino acid residue and is not located withi n the splice consensus sequence. It has been identified in 0.17% (14/8200) of Eu ropean American chromosomes by the NHLBI Exome Sequencing Project (.; dbSNP rs62095193). Asn284Asn in exon 8 of DSG2 (dbSNP rs 62095193; allele frequency = 0.17%, 14/8200) **

Clinical Genetics DNA and cytogenetics Diagnostics Lab, Erasmus MC, Erasmus Medical Center
Classification: Likely benign. Review status: no assertion criteria provided. Collection method: clinical testing. Allele origin: germline. Affected: yes. Study: VKGL Data-share Consensus. Not counted in ClinVar's aggregate classification.

Clinical Genetics, Academic Medical Center
Classification: Benign. Review status: no assertion criteria provided. Collection method: clinical testing. Allele origin: germline. Affected: yes. Study: VKGL Data-share Consensus. Not counted in ClinVar's aggregate classification.

Diagnostic Laboratory, Department of Genetics, University Medical Center Groningen
Classification: Likely benign. Review status: no assertion criteria provided. Collection method: clinical testing. Allele origin: germline. Affected: yes. Study: VKGL Data-share Consensus. Not counted in ClinVar's aggregate classification.

Genome Diagnostics Laboratory, University Medical Center Utrecht
Classification: Likely benign. Review status: no assertion criteria provided. Collection method: clinical testing. Allele origin: germline. Affected: yes. Study: VKGL Data-share Consensus. Not counted in ClinVar's aggregate classification.

Joint Genome Diagnostic Labs from Nijmegen and Maastricht, Radboudumc and MUMC+
Classification: Likely benign. Review status: no assertion criteria provided. Collection method: clinical testing. Allele origin: germline. Affected: yes. Study: VKGL Data-share Consensus. Not counted in ClinVar's aggregate classification.

NM_001943.5(DSG2):c.852T>C (p.Asn284=)

Gene: DSG2 (desmoglein 2; plus strand). Cytogenetic location: 18q12.1.
Variant type: single nucleotide variant.
Coding change: c.852T>C on transcript NM_001943.5 (MANE Select); coding-DNA position 852, T replaced by C.
Protein change: p.Asn284=; no amino-acid change (asparagine 284 retained).
Molecular consequence: synonymous variant.
Genome position (GRCh38, 1-based): chr18:31,524,726, T>C. VCF-style: chr18-31524726-T-C. GRCh37 (hg19) VCF-style: chr18-29104689-T-C.
Other names: p.N284N:AAT>AAC; p.Asn284=.
Identifiers: ClinVar variation 44328 (VCV000044328.56), dbSNP rs62095193, ClinGen allele CA022294.